The following is an entry in ClinVar:

ClinVar aggregate classification (germline): Uncertain significance. Review status: reviewed by expert panel (3 of 4 stars). 4 submissions from 4 submitters: Uncertain significance (1). 3 of the submissions do not count toward it. Last evaluated 2026-09-01.

Conditions:
Rhabdomyosarcoma, embryonal, 2 (RMSE2). Identifiers: MedGen C1867234, MONDO:0859046, OMIM 180295.
Global developmental delay - lung cysts - overgrowth - Wilms tumor syndrome. Also called: GLOW Syndrome; GLOBAL DEVELOPMENTAL DELAY, LUNG CYSTS, OVERGROWTH, AND WILMS TUMOR. Identifiers: Orphanet 404476, MedGen C4748924, MONDO:0018445, OMIM 618272.
Euthyroid goiter (MNG1). Also called: Goiter, multinodular 1, with or without Sertoli-Leydig cell tumors; SIMPLE GOITER; GOITER, NONTOXIC, WITH INTRATHYROIDAL CALCIFICATION; MULTINODULAR GOITER, ADOLESCENT. Identifiers: Orphanet 276399, MedGen C0302859, MONDO:0007681, OMIM 138800, HP:0009798.
Pleuropulmonary blastoma (PPB). Identifiers: Orphanet 64742, MedGen C1266144, MONDO:0011014, OMIM 601200, HP:0100528.
Hereditary cancer-predisposing syndrome. Also called: Hereditary Cancer Syndrome; Neoplastic Syndromes, Hereditary; Hereditary neoplastic syndrome; Tumor predisposition. Identifiers: Orphanet 140162, MedGen C0027672, MeSH D009386, MONDO:0015356.
DICER1-related tumor predisposition. Also called: DICER1-related pleuropulmonary blastoma cancer predisposition syndrome; DICER1 syndrome. Identifiers: Orphanet 284343, MedGen C3839822, MONDO:0100216.

Allele frequency attached by ClinVar (database versions not stated): TOPMed 0.00002; gnomAD exomes below 0.00001.
gnomAD v4.1: 2 of 1,614,090 alleles (0.00012%); highest among the groups gnomAD compares: Non-Finnish European, 0.000085%; no homozygotes.

Submissions (4):

ClinGen DICER1 and miRNA-Processing Gene Variant Curation Expert Panel, ClinGen
Classification: Uncertain significance for DICER1-related tumor predisposition. Last evaluated: 2026-09-01. Review status: reviewed by expert panel. Criteria: ClinGen DICER1 and miRNA-Processing Gene Expert Panel Specifications to the ACMG/AMP Variant Interpretation Guidelines for DICER1 Version 1.4. Collection method: curation. Allele origin: germline. Inheritance: Autosomal dominant inheritance.
Comment: The NM_177438.2:c.4024C>T variant in DICER1 is a missense variant predicted to cause substitution of arginine by cysteine at amino acid 1342 (p.Arg1342Cys). Although this variant has been observed in individuals undergoing genetic sequencing, to our knowledge, this variant has not been reported in individuals with DICER1-related tumor predisposition (PS4 not met; Internal lab contributors). The highest population minor allele frequency in gnomAD v4.1.0 is 0.000016 (1/62506 alleles) in a population of unknown ancestry (PM2_Supporting, BS1, and BA1 are not met). In summary, since no ACMG/AMP criteria codes can be applied to this variant at this time, this variant is classified as a variant of unknown significance for DICER1-related tumor predisposition. (VCEP specifications version 1.4.0). Based on Tavtigian et al 2020 (PMID:32720330), the total points applied = 0, which equates to a classification of VUS.

Labcorp Genetics (formerly Invitae), Labcorp
Classification: Uncertain significance for DICER1-related tumor predisposition. Last evaluated: 2026-01-27. Review status: criteria provided, single submitter. Criteria: Invitae Variant Classification Sherloc (09022015). Collection method: clinical testing. Allele origin: germline. Not counted in ClinVar's aggregate classification.
Comment: This sequence change replaces arginine, which is basic and polar, with cysteine, which is neutral and slightly polar, at codon 1342 of the DICER1 protein (p.Arg1342Cys). This variant is not present in population databases (gnomAD no frequency). This variant has not been reported in the literature in individuals affected with DICER1-related conditions. ClinVar contains an entry for this variant (Variation ID: 412120). Invitae Evidence Modeling of protein sequence and biophysical properties (such as structural, functional, and spatial information, amino acid conservation, physicochemical variation, residue mobility, and thermodynamic stability) indicates that this missense variant is not expected to disrupt DICER1 protein function with a negative predictive value of 95%. In summary, the available evidence is currently insufficient to determine the role of this variant in disease. Therefore, it has been classified as a Variant of Uncertain Significance.

Fulgent Genetics
Classification: Uncertain significance for Euthyroid goiter; Rhabdomyosarcoma, embryonal, 2; Pleuropulmonary blastoma; Global developmental delay - lung cysts - overgrowth - Wilms tumor syndrome. Last evaluated: 2024-01-31. Review status: criteria provided, single submitter. Criteria: ACMG Guidelines, 2015. Collection method: clinical testing. Allele origin: germline. Not counted in ClinVar's aggregate classification.

Ambry Genetics
Classification: Uncertain significance for Hereditary cancer-predisposing syndrome. Last evaluated: 2021-10-26. Review status: criteria provided, single submitter. Criteria: Ambry Variant Classification Scheme 2023. Collection method: clinical testing. Allele origin: germline. Not counted in ClinVar's aggregate classification.
Comment: The p.R1342C variant (also known as c.4024C>T), located in coding exon 20 of the DICER1 gene, results from a C to T substitution at nucleotide position 4024. The arginine at codon 1342 is replaced by cysteine, an amino acid with highly dissimilar properties. This amino acid position is highly conserved in available vertebrate species. In addition, this alteration is predicted to be deleterious by in silico analysis. Since supporting evidence is limited at this time, the clinical significance of this alteration remains unclear.

NM_177438.3(DICER1):c.4024C>T (p.Arg1342Cys)

Gene: DICER1 (dicer 1, ribonuclease III; minus strand). Cytogenetic location: 14q32.13.
Variant type: single nucleotide variant.
Coding change: c.4024C>T on transcript NM_177438.3 (MANE Select); coding-DNA position 4024, C replaced by T.
Protein change: p.Arg1342Cys; replaces arginine 1342 with cysteine.
Molecular consequence: missense variant.
Genome position (GRCh38, 1-based): chr14:95,103,372, G>A on the plus strand (C>T on the coding strand, the complement: DICER1 is on the minus strand). VCF-style: chr14-95103372-G-A. GRCh37 (hg19) VCF-style: chr14-95569709-G-A.
Other names: NM_177438.2(DICER1):c.4024C>T; p.Arg1342Cys; c.4024C>T, p.Arg1342Cys (NM_001195573.1, NM_001271282.3, NM_001291628.2 and 1 more transcripts); short protein forms R1342C.
Identifiers: ClinVar variation 412120 (VCV000412120.20), dbSNP rs776854466, ClinGen allele CA16614508.